The following is an entry in ClinVar:

ClinVar aggregate classification (germline): Uncertain significance (1 of 4 stars; one submission).

Conditions:
Arrhythmogenic right ventricular dysplasia 9 (ARVD9). Also called: Arrhythmogenic Right Ventricular Dysplasia/Cardiomyopathy 9; ARRHYTHMOGENIC RIGHT VENTRICULAR DYSPLASIA, FAMILIAL, 9. Identifiers: MedGen C1836906, MONDO:0012180, OMIM 609040.

gnomAD v4.1: 2 of 1,613,758 alleles (0.00012%); highest among the groups gnomAD compares: Non-Finnish European, 0.00017%; no homozygotes.

Submission:

Labcorp Genetics (formerly Invitae), Labcorp
Classification: Uncertain significance for Arrhythmogenic right ventricular dysplasia 9. Last evaluated: 2025-04-23. Review status: criteria provided, single submitter. Criteria: Invitae Variant Classification Sherloc (09022015). Collection method: clinical testing. Allele origin: germline.
Comment: This sequence change replaces methionine, which is neutral and non-polar, with lysine, which is basic and polar, at codon 519 of the PKP2 protein (p.Met519Lys). This variant is not present in population databases (gnomAD no frequency). This variant has not been reported in the literature in individuals affected with PKP2-related conditions. An algorithm developed to predict the effect of missense changes on protein structure and function (PolyPhen-2) suggests that this variant is likely to be tolerated. In summary, the available evidence is currently insufficient to determine the role of this variant in disease. Therefore, it has been classified as a Variant of Uncertain Significance.

NM_001005242.3(PKP2):c.1424T>A (p.Met475Lys)

Gene: PKP2 (plakophilin 2; minus strand). Cytogenetic location: 12p11.21.
Variant type: single nucleotide variant.
Coding change: c.1424T>A on transcript NM_001005242.3 (MANE Select); coding-DNA position 1424, T replaced by A.
Protein change: p.Met475Lys; replaces methionine 475 with lysine.
Molecular consequence: missense variant.
Genome position (GRCh38, 1-based): chr12:32,841,160, A>T on the plus strand (T>A on the coding strand, the complement: PKP2 is on the minus strand). VCF-style: chr12-32841160-A-T. GRCh37 (hg19) VCF-style: chr12-32994094-A-T.
Other names: c.1424T>A, p.Met475Lys (NM_001407155.1, NM_001407156.1, NM_001407161.1); c.1556T>A, p.Met519Lys (NM_001407157.1, NM_004572.4); c.1097T>A, p.Met366Lys (NM_001407158.1, NM_001407159.1, NM_001407160.1 and 1 more transcripts); short protein forms M366K, M475K, M519K.
Identifiers: ClinVar variation 4699634 (VCV004699634.1).